The following is an entry in ClinVar:

NM_025114.4(CEP290):c.3205G>T (p.Glu1069Ter)

Gene: CEP290 (centrosomal protein 290; minus strand). Cytogenetic location: 12q21.32.
Variant type: single nucleotide variant.
Coding change: c.3205G>T on transcript NM_025114.4 (MANE Select); coding-DNA position 3205, G replaced by T.
Protein change: p.Glu1069Ter; replaces glutamic acid 1069 with a stop codon.
Molecular consequence: nonsense.
Genome position (GRCh38, 1-based): chr12:88,093,874, C>A on the plus strand (G>T on the coding strand, the complement: CEP290 is on the minus strand). VCF-style: chr12-88093874-C-A. GRCh37 (hg19) VCF-style: chr12-88487651-C-A.
Other names: short protein forms E1069*.
Identifiers: ClinVar variation 1407629 (VCV001407629.6), dbSNP rs2137365958, ClinGen allele CA386006186.

ClinVar aggregate classification (germline): Pathogenic (1 of 4 stars; one submission).

Conditions:
Joubert syndrome. Also called: CEREBELLOPARENCHYMAL DISORDER IV; JOUBERT-BOLTSHAUSER SYNDROME; Familial aplasia of the vermis. Identifiers: Orphanet 475, MedGen C5979921, MONDO:0018772.
Nephronophthisis. Also called: Juvenile Nephronophthisis. Identifiers: Orphanet 655, MedGen C0687120, MONDO:0019005, HP:0000090.
Meckel-Gruber syndrome. Also called: DYSENCEPHALIA SPLANCHNOCYSTICA; GRUBER SYNDROME; Dysencephalia splachnocystica. Identifiers: Orphanet 564, MedGen C0265215, MONDO:0018921.

Submission:

Labcorp Genetics (formerly Invitae), Labcorp
Classification: Pathogenic for Joubert syndrome; Meckel-Gruber syndrome; Nephronophthisis. Last evaluated: 2021-08-26. Review status: criteria provided, single submitter. Criteria: Invitae Variant Classification Sherloc (09022015). Collection method: clinical testing. Allele origin: germline.
Comment: For these reasons, this variant has been classified as Pathogenic. This variant has not been reported in the literature in individuals with CEP290-related conditions. This variant is not present in population databases (ExAC no frequency). This sequence change creates a premature translational stop signal (p.Glu1069*) in the CEP290 gene. It is expected to result in an absent or disrupted protein product. Loss-of-function variants in CEP290 are known to be pathogenic (PMID: 16909394, 17345604, 20690115).

Literature cited by the submitters: PubMed 16909394; PubMed 17345604; PubMed 20690115.